The following is an entry in ClinVar:

NM_000212.3(ITGB3):c.303A>G (p.Gly101=)

Gene: ITGB3 (integrin subunit beta 3; plus strand). Cytogenetic location: 17q21.32.
Variant type: single nucleotide variant.
Coding change: c.303A>G on transcript NM_000212.3 (MANE Select); coding-DNA position 303, A replaced by G.
Protein change: p.Gly101=; no amino-acid change (glycine 101 retained).
Molecular consequence: synonymous variant.
Genome position (GRCh38, 1-based): chr17:47,283,491, A>G. VCF-style: chr17-47283491-A-G. GRCh37 (hg19) VCF-style: chr17-45360857-A-G.
Other names: p.Gly101=.
Identifiers: ClinVar variation 2737118 (VCV002737118.6), dbSNP rs72547408, ClinGen allele CA8622911.

ClinVar aggregate classification (germline): Likely benign. Review status: criteria provided, multiple submitters, no conflicts (2 of 4 stars). 3 submissions from 3 submitters: Likely benign (2). 1 of the submissions does not count toward it. Last evaluated 2024-10-30.

Conditions:
ITGB3-related disorder. Also called: ITGB3-related condition.

Allele frequency attached by ClinVar (database versions not stated): gnomAD exomes 0.00001; ExAC 0.00006; 1000 Genomes Project 30x 0.00016; gnomAD 0.00019; 1000 Genomes Project 0.00020; TOPMed 0.00021; ESP Exome Variant Server 0.00023.
gnomAD v4.1: 38 of 1,614,198 alleles (0.0024%); highest among the groups gnomAD compares: African/African-American, 0.045%; no homozygotes.

Submissions (3):

Mayo Clinic Laboratories, Mayo Clinic
Classification: Likely benign. Last evaluated: 2024-10-30. Review status: criteria provided, single submitter. Criteria: ACMG Guidelines, 2015. Collection method: clinical testing. Allele origin: germline. Observed: 1 variant allele.
Comment: BP4, BP7

Labcorp Genetics (formerly Invitae), Labcorp
Classification: Likely benign. Last evaluated: 2024-08-28. Review status: criteria provided, single submitter. Criteria: Invitae Variant Classification Sherloc (09022015). Collection method: clinical testing. Allele origin: germline.

PreventionGenetics, part of Exact Sciences
Classification: Likely benign for ITGB3-related condition. Last evaluated: 2023-05-26. Review status: no assertion criteria provided. Collection method: clinical testing. Allele origin: germline. Not counted in ClinVar's aggregate classification.
Comment: This variant is classified as likely benign based on ACMG/AMP sequence variant interpretation guidelines (Richards et al. 2015 PMID: 25741868, with internal and published modifications).